The following is an entry in ClinVar:

NM_000038.6(APC):c.835-630T>C

Gene: APC (APC regulator of WNT signaling pathway; plus strand). Cytogenetic location: 5q22.2.
Variant type: single nucleotide variant.
Coding change: c.835-630T>C on transcript NM_000038.6 (MANE Select); 630 bases into the intron before coding-DNA position 835, T replaced by C.
Molecular consequence: intron variant.
Genome position (GRCh38, 1-based): chr5:112,814,865, T>C. VCF-style: chr5-112814865-T-C. GRCh37 (hg19) VCF-style: chr5-112150562-T-C.
Other names: c.835-630T>C (NM_001354895.2, NM_001127510.3, NM_001354896.2 and 1 more transcripts); c.865-630T>C (NM_001354897.2, NM_001354902.2); c.781-630T>C (NM_001127511.3); c.760-630T>C (NM_001354898.2, NM_001354904.2); c.-15-630T>C (NM_001354906.2); c.751-630T>C (NM_001354899.2); c.658-630T>C (NM_001354900.2, NM_001354901.2, NM_001354905.2).
Identifiers: ClinVar variation 82555 (VCV000082555.2), dbSNP rs74346093, ClinGen allele CA015348.

ClinVar aggregate classification (germline): other (0 of 4 stars; one submission).

Conditions:
Familial colorectal cancer. Identifiers: MedGen CN280943, MONDO:0023113. Disease mechanism: loss of function.

Submission:

Systems Biology Platform Zhejiang California International NanoSystems Institute
Classification: other for Familial colorectal cancer. Review status: no assertion criteria provided. Collection method: not provided. Allele origin: unknown.
ClinVar note: Converted during submission from cancer to other.